The following is an entry in ClinVar:

NM_001018115.3(FANCD2):c.788G>A (p.Arg263His)

Genes: FANCD2 (FA complementation group D2; plus strand), LOC107303338 (3p25 FANCD2 Alu-mediated recombination region; plus strand). Cytogenetic location: 3p25.3.
Variant type: single nucleotide variant.
Coding change: c.788G>A on transcript NM_001018115.3 (MANE Select); coding-DNA position 788, G replaced by A.
Protein change: p.Arg263His; replaces arginine 263 with histidine.
Molecular consequence: missense variant.
Genome position (GRCh38, 1-based): chr3:10,042,563, G>A. VCF-style: chr3-10042563-G-A. GRCh37 (hg19) VCF-style: chr3-10084247-G-A.
Other names: c.788G>A, p.Arg263His (NM_001319984.2, NM_001374253.1, NM_001374254.1 and 1 more transcripts); short protein forms R263H.
Identifiers: ClinVar variation 1896724 (VCV001896724.4), dbSNP rs746722465, ClinGen allele CA2249369.

ClinVar aggregate classification (germline): Uncertain significance (1 of 4 stars; one submission).

Conditions:
Fanconi anemia (FA). Also called: Fanconi's anemia. Identifiers: Orphanet 84, MedGen C0015625, MeSH D005199, MONDO:0019391.

Allele frequency attached by ClinVar (database versions not stated): ExAC 0.00001; gnomAD 0.00001; gnomAD exomes 0.00001; TOPMed 0.00001.

Submission:

Labcorp Genetics (formerly Invitae), Labcorp
Classification: Uncertain significance for Fanconi anemia. Last evaluated: 2026-01-26. Review status: criteria provided, single submitter. Criteria: Invitae Variant Classification Sherloc (09022015). Collection method: clinical testing. Allele origin: germline.
Comment: This sequence change replaces arginine, which is basic and polar, with histidine, which is basic and polar, at codon 263 of the FANCD2 protein (p.Arg263His). This variant is present in population databases (rs746722465, gnomAD 0.003%). This variant has not been reported in the literature in individuals affected with FANCD2-related conditions. ClinVar contains an entry for this variant (Variation ID: 1896724). Invitae Evidence Modeling of protein sequence and biophysical properties (such as structural, functional, and spatial information, amino acid conservation, physicochemical variation, residue mobility, and thermodynamic stability) indicates that this missense variant is expected to disrupt FANCD2 protein function with a positive predictive value of 80%. In summary, the available evidence is currently insufficient to determine the role of this variant in disease. Therefore, it has been classified as a Variant of Uncertain Significance.